The following is an entry in ClinVar:

NM_001367561.1(DOCK7):c.3717C>G (p.Ala1239=)

Gene: DOCK7 (dedicator of cytokinesis 7; minus strand). Cytogenetic location: 1p31.3.
Variant type: single nucleotide variant.
Coding change: c.3717C>G on transcript NM_001367561.1 (MANE Select); coding-DNA position 3717, C replaced by G.
Protein change: p.Ala1239=; no amino-acid change (alanine 1239 retained).
Molecular consequence: synonymous variant.
Genome position (GRCh38, 1-based): chr1:62,529,341, G>C on the plus strand (C>G on the coding strand, the complement: DOCK7 is on the minus strand). VCF-style: chr1-62529341-G-C. GRCh37 (hg19) VCF-style: chr1-62995012-G-C.
Other names: c.3717C>G, p.Ala1239= (NM_001271999.2, NM_001330614.2); c.3624C>G, p.Ala1208= (NM_001272000.2, NM_001272001.2, NM_033407.4).
Identifiers: ClinVar variation 475140 (VCV000475140.41), dbSNP rs375372678, ClinGen allele CA885909.
Genomic context (GRCh38, chr1:62,529,341, plus strand): 5'-AAAATCATACAGCTGAGGTACAGTTTCCATGATAATACCAATCAGAGGTAGATACAACAT[G>C]GCCACTCGAGCCTTTATCTGAGGGTCAGAGTACCGCGGGTCTGAGTCGTGACTGGAGAGT-3'
Protein context (NP_001354490.1, residues 1229-1249): YSDPQIKARV[Ala1239=]MLYLPLIGII

ClinVar aggregate classification (germline): Likely benign. Review status: criteria provided, multiple submitters, no conflicts (2 of 4 stars). 4 submissions from 4 submitters: Likely benign (4). Last evaluated 2025-09-03.

Conditions:
Developmental and epileptic encephalopathy, 23 (DEE23). Also called: Epileptic encephalopathy, early infantile, 23. Identifiers: Orphanet 411986, MedGen C4014492, MONDO:0014371, OMIM 615859.

Allele frequency attached by ClinVar (database versions not stated): TOPMed 0.00008; gnomAD exomes 0.00012; ExAC 0.00013; ESP Exome Variant Server 0.00015; gnomAD 0.00015 and 0.00016.
gnomAD v4.1: 172 of 1,613,526 alleles (0.011%); highest among the groups gnomAD compares: Non-Finnish European, 0.013%; no homozygotes.

Submissions (4):

Labcorp Genetics (formerly Invitae), Labcorp
Classification: Likely benign for Developmental and epileptic encephalopathy, 23. Last evaluated: 2025-09-03. Review status: criteria provided, single submitter. Criteria: Invitae Variant Classification Sherloc (09022015). Collection method: clinical testing. Allele origin: germline.

Blueprint Genetics
Classification: Likely benign. Last evaluated: 2024-10-17. Review status: criteria provided, single submitter. Criteria: ACMG Guidelines, 2015. Collection method: clinical testing. Allele origin: germline.

Genome-Nilou Lab
Classification: Likely benign for Developmental and epileptic encephalopathy, 23. Last evaluated: 2023-04-11. Review status: criteria provided, single submitter. Criteria: ACMG Guidelines, 2015. Collection method: clinical testing. Allele origin: germline. Affected: no.

CeGaT Center for Human Genetics Tuebingen
Classification: Likely benign. Last evaluated: 2022-11-01. Review status: criteria provided, single submitter. Criteria: CeGaT Center For Human Genetics Tuebingen Variant Classification Criteria Version 2. Collection method: clinical testing. Allele origin: germline. Affected: yes. Observed: 2 variant alleles.
Comment: DOCK7: BP4, BP7